The following is an entry in ClinVar:

NM_000038.6(APC):c.1958+2T>C

Gene: APC (APC regulator of Wnt signaling pathway; plus strand). Cytogenetic location: 5q22.2.
Variant type: single nucleotide variant.
Coding change: c.1958+2T>C on transcript NM_000038.6 (MANE Select); the canonical splice donor site of the intron after coding-DNA position 1958, T replaced by C.
Molecular consequence: splice donor variant.
Genome position (GRCh38, 1-based): chr5:112,835,167, T>C. VCF-style: chr5-112835167-T-C. GRCh37 (hg19) VCF-style: chr5-112170864-T-C.
Other names: c.1109+2T>C (NM_001407470.1, NM_001354906.2); c.806+2T>C (NM_001407472.1, NM_001407471.1); c.2012+2T>C (NM_001407447.1, NM_001407448.1, NM_001407449.1 and 1 more transcripts); c.1958+2T>C (NM_001354895.2, NM_001407450.1, NM_001127510.3); c.1709+2T>C (NM_001407456.1, NM_001407457.1, NM_001407455.1 and 1 more transcripts); c.1655+2T>C (NM_001407460.1, NM_001407458.1, NM_001407459.1 and 1 more transcripts); c.1928+2T>C (NM_001407452.1); c.1571+2T>C (NM_001407469.1, NM_001407467.1); and 11 more.
Identifiers: ClinVar variation 2584043 (VCV002584043.1), dbSNP rs2149844646, ClinGen allele CA360623927.
Genomic context (GRCh38, chr5:112,835,167, plus strand): 5'-AGTGGAGGTGGGATATTACGGAATGTGTCCAGCTTGATAGCTACAAATGAGGACCACAGG[T>C]ATATATAGAGTTTTATATTACTTTTAAAGTACAGAATTCATACTCTCAAAAAGACCTAAT-3'

ClinVar aggregate classification (germline): Pathogenic (1 of 4 stars; one submission).

Conditions:
Familial adenomatous polyposis 1 (FAP1). Also called: FAMILIAL ADENOMATOUS POLYPOSIS 1, ATTENUATED; POLYPOSIS, ADENOMATOUS INTESTINAL. Identifiers: MedGen C2713442, MONDO:0021056, OMIM 175100. Disease mechanism: loss of function.

Submission:

Myriad Genetics, Inc.
Classification: Pathogenic for Familial adenomatous polyposis 1. Last evaluated: 2023-05-03. Review status: criteria provided, single submitter. Criteria: Myriad Autosomal Dominant, Autosomal Recessive and X-Linked Classification Criteria (2023). Collection method: clinical testing. Allele origin: unknown.
Comment: This variant is considered pathogenic. This variant occurs within a consensus splice junction and is predicted to result in abnormal mRNA splicing of either an out-of-frame exon or an in-frame exon necessary for protein stability and/or normal function. mRNA analysis has demonstrated abnormal mRNA splicing occurs [PMID: 15459959].

Literature cited by the submitters: PubMed 15459959.